The following is an entry in ClinVar:

ClinVar aggregate classification (germline): Uncertain significance. Review status: criteria provided, multiple submitters, no conflicts (2 of 4 stars). 2 submissions from 2 submitters: Uncertain significance (2). Last evaluated 2025-07-15.

Conditions:
COL18A1-related disorder. Also called: COL18A1-related condition; COL18A1-related disorders.

Allele frequency attached by ClinVar (database versions not stated): gnomAD exomes 0.00001; gnomAD 0.00002; TOPMed 0.00002.
gnomAD v4.1: 10 of 1,557,162 alleles (0.00064%); highest among the groups gnomAD compares: Non-Finnish European, 0.00087%; no homozygotes.

Submissions (2):

PreventionGenetics, part of Exact Sciences
Classification: Uncertain significance for COL18A1-related condition. Last evaluated: 2025-07-15. Review status: criteria provided, single submitter. Criteria: ACMG Guidelines, 2015. Collection method: clinical testing. Allele origin: germline.
Comment: The COL18A1 c.2756G>A variant is predicted to result in the amino acid substitution p.Gly919Glu. To our knowledge, this variant has not been reported in the literature or in a large population database (gnomAD), indicating this variant is rare. At this time, the clinical significance of this variant is uncertain due to the absence of conclusive functional and genetic evidence.

Labcorp Genetics (formerly Invitae), Labcorp
Classification: Uncertain significance. Last evaluated: 2024-10-22. Review status: criteria provided, single submitter. Criteria: Invitae Variant Classification Sherloc (09022015). Collection method: clinical testing. Allele origin: germline.
Comment: This sequence change replaces glycine, which is neutral and non-polar, with glutamic acid, which is acidic and polar, at codon 739 of the COL18A1 protein (p.Gly739Glu). This variant is not present in population databases (gnomAD no frequency). This variant has not been reported in the literature in individuals affected with COL18A1-related conditions. ClinVar contains an entry for this variant (Variation ID: 1483145). Experimental studies and prediction algorithms are not available or were not evaluated, and the functional significance of this variant is currently unknown. In summary, the available evidence is currently insufficient to determine the role of this variant in disease. Therefore, it has been classified as a Variant of Uncertain Significance.

NM_001379500.1(COL18A1):c.2216G>A (p.Gly739Glu)

Gene: COL18A1 (collagen type XVIII alpha 1 chain; plus strand). Cytogenetic location: 21q22.3.
Variant type: single nucleotide variant.
Coding change: c.2216G>A on transcript NM_001379500.1 (MANE Select); coding-DNA position 2216, G replaced by A.
Protein change: p.Gly739Glu; replaces glycine 739 with glutamic acid.
Molecular consequence: missense variant.
Genome position (GRCh38, 1-based): chr21:45,493,164, G>A. VCF-style: chr21-45493164-G-A. GRCh37 (hg19) VCF-style: chr21-46913078-G-A.
Other names: c.2756G>A (NM_030582.3); c.2756G>A, p.Gly919Glu (NM_030582.4); c.3461G>A, p.Gly1154Glu (NM_130444.3); short protein forms G1154E, G919E, G739E.
Identifiers: ClinVar variation 1483145 (VCV001483145.7), dbSNP rs752724123, ClinGen allele CA321919390.